The following is an entry in ClinVar:

NM_020778.5(ALPK3):c.589G>T (p.Glu197Ter)

Gene: ALPK3 (alpha kinase 3; plus strand). Cytogenetic location: 15q25.3.
Variant type: single nucleotide variant.
Coding change: c.589G>T on transcript NM_020778.5 (MANE Select); coding-DNA position 589, G replaced by T.
Protein change: p.Glu197Ter; replaces glutamic acid 197 with a stop codon.
Molecular consequence: nonsense.
Genome position (GRCh38, 1-based): chr15:84,839,868, G>T. VCF-style: chr15-84839868-G-T. GRCh37 (hg19) VCF-style: chr15-85383099-G-T.
Other names: short protein forms E197*.
Identifiers: ClinVar variation 1187004 (VCV001187004.8), dbSNP rs1418106287, ClinGen allele CA393373000.

ClinVar aggregate classification (germline): Pathogenic. Review status: criteria provided, multiple submitters, no conflicts (2 of 4 stars). 3 submissions from 3 submitters: Pathogenic (3). Last evaluated 2025-01-12.

Conditions:
Cardiomyopathy, familial hypertrophic 27. Identifiers: MedGen C4748014, MONDO:0054838, OMIM 618052.

gnomAD v4.1: 2 of 1,614,094 alleles (0.00012%); highest among the groups gnomAD compares: East Asian, 0.0022%; no homozygotes.

Submissions (3):

Labcorp Genetics (formerly Invitae), Labcorp
Classification: Pathogenic. Last evaluated: 2025-01-12. Review status: criteria provided, single submitter. Criteria: Invitae Variant Classification Sherloc (09022015). Collection method: clinical testing. Allele origin: germline.
Comment: This sequence change creates a premature translational stop signal (p.Glu399*) in the ALPK3 gene. It is expected to result in an absent or disrupted protein product. Loss-of-function variants in ALPK3 are known to be pathogenic (PMID: 21441111, 26846950, 27106955, 34263907). This variant is present in population databases (no rsID available, gnomAD 0.006%). This variant has not been reported in the literature in individuals affected with ALPK3-related conditions. ClinVar contains an entry for this variant (Variation ID: 1187004). For these reasons, this variant has been classified as Pathogenic.

GeneDx
Classification: Pathogenic. Last evaluated: 2022-10-10. Review status: criteria provided, single submitter. Criteria: GeneDx Variant Classification Process June 2021. Collection method: clinical testing. Allele origin: germline. Affected: yes.
Comment: Has not been previously published as pathogenic or benign to our knowledge; Not observed at significant frequency in large population cohorts (gnomAD); Nonsense variant predicted to result in protein truncation or nonsense mediated decay in a gene for which loss of function is a known mechanism of disease

Juno Genomics, Hangzhou Juno Genomics, Inc
Classification: Pathogenic for Cardiomyopathy, familial hypertrophic 27. Review status: criteria provided, single submitter. Criteria: ACMG Guidelines, 2015. Collection method: clinical testing. Allele origin: germline. Affected: yes.
Comment: Absent from controls (or at extremely low frequency if recessive) in Genome Aggregation Database, Exome Sequencing Project, 1000 Genomes Project, or Exome Aggregation Consortium.;Null variant in a gene where loss of function (LOF) is a known mechanism of disease.;The prevalence of the variant in affected individuals is significantly increased compared to the prevalence in controls.

Literature cited by the submitters: PubMed 21441111 (cited by Labcorp Genetics (formerly Invitae), Labcorp); PubMed 26846950 (cited by Labcorp Genetics (formerly Invitae), Labcorp); PubMed 27106955 (cited by Labcorp Genetics (formerly Invitae), Labcorp); PubMed 34263907 (cited by Labcorp Genetics (formerly Invitae), Labcorp).